The following is an entry in ClinVar:

ClinVar aggregate classification (germline): Uncertain significance (1 of 4 stars; one submission).

Allele frequency attached by ClinVar (database versions not stated): ExAC 0.00001; gnomAD 0.00001; gnomAD exomes 0.00002 and 0.00004; TOPMed 0.00003.
gnomAD v4.1: 58 of 1,614,004 alleles (0.0036%); highest among the groups gnomAD compares: Middle Eastern, 0.016%; no homozygotes.

Submission:

Labcorp Genetics (formerly Invitae), Labcorp
Classification: Uncertain significance. Last evaluated: 2024-11-03. Review status: criteria provided, single submitter. Criteria: Invitae Variant Classification Sherloc (09022015). Collection method: clinical testing. Allele origin: germline.
Comment: This sequence change replaces serine, which is neutral and polar, with leucine, which is neutral and non-polar, at codon 444 of the BACH2 protein (p.Ser444Leu). This variant is present in population databases (rs764572235, gnomAD 0.005%). This variant has not been reported in the literature in individuals affected with BACH2-related conditions. ClinVar contains an entry for this variant (Variation ID: 1436023). Invitae Evidence Modeling of protein sequence and biophysical properties (such as structural, functional, and spatial information, amino acid conservation, physicochemical variation, residue mobility, and thermodynamic stability) indicates that this missense variant is not expected to disrupt BACH2 protein function with a negative predictive value of 80%. In summary, the available evidence is currently insufficient to determine the role of this variant in disease. Therefore, it has been classified as a Variant of Uncertain Significance.

NM_021813.4(BACH2):c.1331C>T (p.Ser444Leu)

Gene: BACH2 (BACH transcriptional regulator 2; minus strand). Cytogenetic location: 6q15.
Variant type: single nucleotide variant.
Coding change: c.1331C>T on transcript NM_021813.4 (MANE Select); coding-DNA position 1331, C replaced by T.
Protein change: p.Ser444Leu; replaces serine 444 with leucine.
Molecular consequence: missense variant.
Genome position (GRCh38, 1-based): chr6:89,950,775, G>A on the plus strand (C>T on the coding strand, the complement: BACH2 is on the minus strand). VCF-style: chr6-89950775-G-A. GRCh37 (hg19) VCF-style: chr6-90660494-G-A.
Other names: c.1331C>T, p.Ser444Leu (NM_001170794.2); short protein forms S444L.
Identifiers: ClinVar variation 1436023 (VCV001436023.6), dbSNP rs764572235, ClinGen allele CA3928005.